The following is an entry in ClinVar:

ClinVar aggregate classification (germline): Uncertain significance. Review status: criteria provided, multiple submitters, no conflicts (2 of 4 stars). 2 submissions from 2 submitters: Uncertain significance (2). Last evaluated 2023-06-05.

Conditions:
Inborn genetic diseases. Identifiers: MedGen C0950123, MeSH D030342.
Epilepsy, X-linked 1, with variable learning disabilities and behavior disorders. Also called: X-linked epilepsy-learning disabilities-behavior disorders syndrome. Identifiers: Orphanet 85294, MedGen C5774177, MONDO:0010339, OMIM 300491.

Submissions (2):

Labcorp Genetics (formerly Invitae), Labcorp
Classification: Uncertain significance for Epilepsy, X-linked 1, with variable learning disabilities and behavior disorders. Last evaluated: 2023-06-05. Review status: criteria provided, single submitter. Criteria: Invitae Variant Classification Sherloc (09022015). Collection method: clinical testing. Allele origin: germline.
Comment: In summary, the available evidence is currently insufficient to determine the role of this variant in disease. Therefore, it has been classified as a Variant of Uncertain Significance. Algorithms developed to predict the effect of missense changes on protein structure and function output the following: SIFT: "Not Available"; PolyPhen-2: "Benign"; Align-GVGD: "Not Available". The alanine amino acid residue is found in multiple mammalian species, which suggests that this missense change does not adversely affect protein function. ClinVar contains an entry for this variant (Variation ID: 1781859). This variant has not been reported in the literature in individuals affected with SYN1-related conditions. This variant is not present in population databases (gnomAD no frequency). This sequence change replaces proline, which is neutral and non-polar, with alanine, which is neutral and non-polar, at codon 63 of the SYN1 protein (p.Pro63Ala).

Ambry Genetics
Classification: Uncertain significance for Inborn genetic diseases. Last evaluated: 2020-02-19. Review status: criteria provided, single submitter. Criteria: Ambry Variant Classification Scheme 2023. Collection method: clinical testing. Allele origin: germline.
Comment: The p.P63A variant (also known as c.187C>G), located in coding exon 1 of the SYN1 gene, results from a C to G substitution at nucleotide position 187. The proline at codon 63 is replaced by alanine, an amino acid with highly similar properties. This amino acid position is well conserved in available vertebrate species. In addition, this alteration is predicted to be tolerated by in silico analysis. Since supporting evidence is limited at this time, the clinical significance of this alteration remains unclear.

NM_006950.3(SYN1):c.187C>G (p.Pro63Ala)

Gene: SYN1 (synapsin I; minus strand). Cytogenetic location: Xp11.23.
Variant type: single nucleotide variant.
Coding change: c.187C>G on transcript NM_006950.3 (MANE Select); coding-DNA position 187, C replaced by G.
Protein change: p.Pro63Ala; replaces proline 63 with alanine.
Molecular consequence: missense variant.
Genome position (GRCh38, 1-based): chrX:47,619,542, G>C on the plus strand (C>G on the coding strand, the complement: SYN1 is on the minus strand). VCF-style: chrX-47619542-G-C. GRCh37 (hg19) VCF-style: chrX-47478941-G-C.
Other names: c.187C>G, p.Pro63Ala (NM_133499.2); short protein forms P63A.
Identifiers: ClinVar variation 1781859 (VCV001781859.5), dbSNP rs2519712366, ClinGen allele CA412831952.